The following is an entry in ClinVar:

NM_001365088.1(SLC12A6):c.*1195A>G

Gene: SLC12A6 (solute carrier family 12 member 6; minus strand). Cytogenetic location: 15q14.
Variant type: single nucleotide variant.
Coding change: c.*1195A>G on transcript NM_001365088.1 (MANE Select); 1195 bases downstream of the stop codon, A replaced by G.
Molecular consequence: 3 prime UTR variant.
Genome position (GRCh38, 1-based): chr15:34,232,686, T>C on the plus strand (A>G on the coding strand, the complement: SLC12A6 is on the minus strand). VCF-style: chr15-34232686-T-C. GRCh37 (hg19) VCF-style: chr15-34524887-T-C.
Other names: NC_000015.9:g.34524887T>C; c.*1195A>G (NM_001042494.2, NM_001042495.2, NM_001042496.2 and 3 more transcripts).
Identifiers: ClinVar variation 315592 (VCV000315592.6), dbSNP rs137985758, ClinGen allele CA10635809.

ClinVar aggregate classification (germline): Likely benign (1 of 4 stars; one submission).

Conditions:
Agenesis of the corpus callosum with peripheral neuropathy (ACCPN). Also called: CHARLEVOIX DISEASE; POLYNEUROPATHY, SENSORIMOTOR, WITH OR WITHOUT AGENESIS OF THE CORPUS CALLOSUM; HMSN/ACC; Hereditary Motor and Sensory Neuropathy with Agenesis of the Corpus Callosum. Identifiers: Orphanet 1496, MedGen C0795950, MONDO:0000902, OMIM 218000. Disease mechanism: loss of function.

Allele frequency attached by ClinVar (database versions not stated): gnomAD 0.00322 and 0.00346; 1000 Genomes Project 30x 0.00359; TOPMed 0.00376; 1000 Genomes Project 0.00419.

Submissions (3):

Illumina Laboratory Services, Illumina
Classification: Likely benign for Agenesis of the corpus callosum with peripheral neuropathy. Last evaluated: 2018-01-12. Review status: criteria provided, single submitter. Criteria: ICSL Variant Classification Criteria 13 December 2019. Collection method: clinical testing. Allele origin: germline.
Comment: This variant was observed in the ICSL laboratory as part of a predisposition screen in an ostensibly healthy population. It had not been previously curated by ICSL or reported in the Human Gene Mutation Database (HGMD: prior to June 1st, 2018), and was therefore a candidate for classification through an automated scoring system. Utilizing variant allele frequency, disease prevalence and penetrance estimates, and inheritance mode, an automated score was calculated to assess if this variant is too frequent to cause the disease. Based on the score and internal cut-off values, a variant classified as likely benign is not then subjected to further curation. The score for this variant resulted in a classification of likely benign for this disease.

Dr. Peter K. Rogan Lab, Western University
No classification provided (evidence only). Condition: Uterine corpus endometrial carcinoma. Review status: no classification provided. Collection method: in vitro. Allele origin: not applicable. Functional consequence: retained intron. Not counted in ClinVar's aggregate classification.

Dr. Peter K. Rogan Lab, Western University
No classification provided (evidence only). Condition: Thymoma. Review status: no classification provided. Collection method: in vitro. Allele origin: not applicable. Functional consequence: retained intron. Not counted in ClinVar's aggregate classification.